The following is an entry in ClinVar:

NM_000059.4(BRCA2):c.9383G>T (p.Arg3128Leu)

Gene: BRCA2 (BRCA2 DNA repair associated; plus strand). Cytogenetic location: 13q13.1.
Variant type: single nucleotide variant.
Coding change: c.9383G>T on transcript NM_000059.4 (MANE Select); coding-DNA position 9383, G replaced by T.
Protein change: p.Arg3128Leu; replaces arginine 3128 with leucine.
Molecular consequence: missense variant.
Genome position (GRCh38, 1-based): chr13:32,394,815, G>T. VCF-style: chr13-32394815-G-T. GRCh37 (hg19) VCF-style: chr13-32968952-G-T.
Other names: short protein forms R3128L.
Identifiers: ClinVar variation 1012001 (VCV001012001.11), dbSNP rs397507427, ClinGen allele CA387761280.

ClinVar aggregate classification (germline): Uncertain significance (1 of 4 stars; one submission).

Conditions:
Hereditary breast ovarian cancer syndrome. Also called: Hereditary breast and ovarian cancer syndrome (HBOC); Hereditary breast and/or ovarian cancer syndrome; BRCA1- and BRCA2-Associated Hereditary Breast and Ovarian Cancer; Hereditary breast and ovarian cancer syndrome; Hereditary breast and ovarian cancer; Breast and ovarian cancer. Identifiers: Orphanet 145, MedGen C0677776, MeSH D061325, MONDO:0003582. Disease mechanism: loss of function.

Submission:

Labcorp Genetics (formerly Invitae), Labcorp
Classification: Uncertain significance for Hereditary breast ovarian cancer syndrome. Last evaluated: 2023-10-22. Review status: criteria provided, single submitter. Criteria: Invitae Variant Classification Sherloc (09022015). Collection method: clinical testing. Allele origin: germline.
Comment: This sequence change replaces arginine, which is basic and polar, with leucine, which is neutral and non-polar, at codon 3128 of the BRCA2 protein (p.Arg3128Leu). This variant is not present in population databases (gnomAD no frequency). This variant has not been reported in the literature in individuals affected with BRCA2-related conditions. ClinVar contains an entry for this variant (Variation ID: 1012001). Advanced modeling of protein sequence and biophysical properties (such as structural, functional, and spatial information, amino acid conservation, physicochemical variation, residue mobility, and thermodynamic stability) performed at Invitae indicates that this missense variant is not expected to disrupt BRCA2 protein function. In summary, the available evidence is currently insufficient to determine the role of this variant in disease. Therefore, it has been classified as a Variant of Uncertain Significance.